The following is an entry in ClinVar:

ClinVar aggregate classification (germline): Uncertain significance. Review status: criteria provided, multiple submitters, no conflicts (2 of 4 stars). 4 submissions from 4 submitters: Uncertain significance (3). 1 of the submissions does not count toward it. Last evaluated 2025-11-27.

Conditions:
POLD1-related polyposis and colorectal cancer syndrome (CRCS10). Also called: Colorectal cancer, susceptibility to, 10; Colorectal cancer 10; COLORECTAL CANCER, SUSCEPTIBILITY TO, ON CHROMOSOME 19q. Identifiers: Orphanet 220460, MedGen C2675481, MONDO:0012953, OMIM 612591.
POLD1-related disorder. Also called: POLD1-related disorders; POLD1-related condition.
Hereditary cancer-predisposing syndrome. Also called: Hereditary neoplastic syndrome; Tumor predisposition; Hereditary Cancer Syndrome; Neoplastic Syndromes, Hereditary. Identifiers: Orphanet 140162, MedGen C0027672, MeSH D009386, MONDO:0015356.

Allele frequency attached by ClinVar (database versions not stated): gnomAD exomes 0.00001 and 0.00002; TOPMed 0.00001; ExAC 0.00002.
gnomAD v4.1: 9 of 1,612,618 alleles (0.00056%); highest among the groups gnomAD compares: Admixed American, 0.0033%; no homozygotes.

Submissions (4):

Labcorp Genetics (formerly Invitae), Labcorp
Classification: Uncertain significance for POLD1-related polyposis and colorectal cancer syndrome. Last evaluated: 2025-11-27. Review status: criteria provided, single submitter. Criteria: Invitae Variant Classification Sherloc (09022015). Collection method: clinical testing. Allele origin: germline.
Comment: This sequence change replaces methionine, which is neutral and non-polar, with isoleucine, which is neutral and non-polar, at codon 772 of the POLD1 protein (p.Met772Ile). This variant is present in population databases (rs750956986, gnomAD 0.003%). This missense change has been observed in individual(s) with colon cancer (PMID: 28125075). ClinVar contains an entry for this variant (Variation ID: 650608). Invitae Evidence Modeling of protein sequence and biophysical properties (such as structural, functional, and spatial information, amino acid conservation, physicochemical variation, residue mobility, and thermodynamic stability) indicates that this missense variant is not expected to disrupt POLD1 protein function with a negative predictive value of 80%. In summary, the available evidence is currently insufficient to determine the role of this variant in disease. Therefore, it has been classified as a Variant of Uncertain Significance.

GeneDx
Classification: Uncertain significance. Last evaluated: 2025-02-05. Review status: criteria provided, single submitter. Criteria: GeneDx Variant Classification Process June 2021. Collection method: clinical testing. Allele origin: germline. Affected: yes.
Comment: Not observed at significant frequency in large population cohorts (gnomAD); In silico analysis supports that this missense variant has a deleterious effect on protein structure/function; Observed in an individual with colon cancer (PMID: 28125075); This variant is associated with the following publications: (PMID: 28125075, 20951805)

Ambry Genetics
Classification: Uncertain significance for Hereditary cancer-predisposing syndrome. Last evaluated: 2024-11-08. Review status: criteria provided, single submitter. Criteria: Ambry Variant Classification Scheme 2023. Collection method: clinical testing. Allele origin: germline.
Comment: The p.M772I variant (also known as c.2316G>A), located in coding exon 18 of the POLD1 gene, results from a G to A substitution at nucleotide position 2316. The methionine at codon 772 is replaced by isoleucine, an amino acid with highly similar properties. This amino acid position is highly conserved in available vertebrate species. In addition, this alteration is predicted to be tolerated by in silico analysis. Based on the available evidence, the clinical significance of this variant remains unclear.

PreventionGenetics, part of Exact Sciences
Classification: Uncertain significance for POLD1-related condition. Last evaluated: 2024-01-29. Review status: no assertion criteria provided. Collection method: clinical testing. Allele origin: germline. Not counted in ClinVar's aggregate classification.
Comment: The POLD1 c.2316G>A variant is predicted to result in the amino acid substitution p.Met772Ile. This variant has been reported as a variant of uncertain significance in a patient with colon cancer (Table S9, Ghazani et al. 2017. PubMed ID: 28125075). This variant is reported in 0.0029% of alleles in individuals of Latino descent in gnomAD and is interpreted as uncertain in ClinVar. At this time, the clinical significance of this variant is uncertain due to the absence of conclusive functional and genetic evidence.

Literature cited by the submitters: PubMed 28125075 (cited by Labcorp Genetics (formerly Invitae), Labcorp).

NM_002691.4(POLD1):c.2316G>A (p.Met772Ile)

Gene: POLD1 (DNA polymerase delta 1, catalytic subunit; plus strand). Cytogenetic location: 19q13.33.
Variant type: single nucleotide variant.
Coding change: c.2316G>A on transcript NM_002691.4 (MANE Select); coding-DNA position 2316, G replaced by A.
Protein change: p.Met772Ile; replaces methionine 772 with isoleucine.
Molecular consequence: missense variant. On other transcripts: non-coding transcript variant (1).
Genome position (GRCh38, 1-based): chr19:50,413,807, G>A. VCF-style: chr19-50413807-G-A. GRCh37 (hg19) VCF-style: chr19-50917064-G-A.
Other names: c.2316G>A, p.Met772Ile (NM_001256849.1); c.2394G>A, p.Met798Ile (NM_001308632.1); c.2316G>A (NM_002691.2); short protein forms M772I, M798I.
Identifiers: ClinVar variation 650608 (VCV000650608.16), dbSNP rs750956986, ClinGen allele CA9596481.
Genomic context (GRCh38, chr19:50,413,807, plus strand): 5'-GTATGGTGACACTGACTCCGTCATGTGCCGATTCGGCGTGTCCTCGGTGGCTGAGGCGAT[G>A]GCCCTGGGGCGGGAGGCCGCGGACTGGGTGTCAGGTCACTTCCCGTCGCCCATCCGGCTG-3'
Protein context (NP_002682.2, residues 762-782): RFGVSSVAEA[Met772Ile]ALGREAADWV